The following is an entry in ClinVar:

ClinVar aggregate classification (germline): Uncertain significance. Review status: criteria provided, multiple submitters, no conflicts (2 of 4 stars). 4 submissions from 4 submitters: Uncertain significance (3). 1 of the submissions does not count toward it. Last evaluated 2025-11-09.

Conditions:
Inborn genetic diseases. Identifiers: MedGen C0950123, MeSH D030342.
ZNF408-related disorder. Also called: ZNF408-related condition.

Allele frequency attached by ClinVar (database versions not stated): gnomAD exomes 0.00001 and 0.00016; gnomAD 0.00002 and 0.00003; TOPMed 0.00006; ExAC 0.00014; 1000 Genomes Project 30x 0.00031; 1000 Genomes Project 0.00040.
gnomAD v4.1: 26 of 1,614,040 alleles (0.0016%); highest among the groups gnomAD compares: East Asian, 0.056%; no homozygotes.

Submissions (4):

Labcorp Genetics (formerly Invitae), Labcorp
Classification: Uncertain significance. Last evaluated: 2025-11-09. Review status: criteria provided, single submitter. Criteria: Invitae Variant Classification Sherloc (09022015). Collection method: clinical testing. Allele origin: germline.
Comment: This sequence change replaces proline, which is neutral and non-polar, with leucine, which is neutral and non-polar, at codon 44 of the ZNF408 protein (p.Pro44Leu). This variant is present in population databases (rs199531284, gnomAD 0.2%). This variant has not been reported in the literature in individuals affected with ZNF408-related conditions. ClinVar contains an entry for this variant (Variation ID: 1009838). An algorithm developed to predict the effect of missense changes on protein structure and function outputs the following: PolyPhen-2: "Benign". The leucine amino acid residue is found in multiple mammalian species, which suggests that this missense change does not adversely affect protein function. In summary, the available evidence is currently insufficient to determine the role of this variant in disease. Therefore, it has been classified as a Variant of Uncertain Significance.

Ambry Genetics
Classification: Uncertain significance for Inborn genetic diseases. Last evaluated: 2023-01-31. Review status: criteria provided, single submitter. Criteria: Ambry Variant Classification Scheme 2023. Collection method: clinical testing. Allele origin: germline.

Blueprint Genetics
Classification: Uncertain significance. Last evaluated: 2021-12-19. Review status: criteria provided, single submitter. Criteria: ACMG Guidelines, 2015. Collection method: clinical testing. Allele origin: germline.

PreventionGenetics, part of Exact Sciences
Classification: Likely benign for ZNF408-related condition. Last evaluated: 2023-12-14. Review status: no assertion criteria provided. Collection method: clinical testing. Allele origin: germline. Not counted in ClinVar's aggregate classification.
Comment: This variant is classified as likely benign based on ACMG/AMP sequence variant interpretation guidelines (Richards et al. 2015 PMID: 25741868, with internal and published modifications).

NM_024741.3(ZNF408):c.131C>T (p.Pro44Leu)

Gene: ZNF408 (zinc finger protein 408; plus strand). Cytogenetic location: 11p11.2.
Variant type: single nucleotide variant.
Coding change: c.131C>T on transcript NM_024741.3 (MANE Select); coding-DNA position 131, C replaced by T.
Protein change: p.Pro44Leu; replaces proline 44 with leucine.
Molecular consequence: missense variant.
Genome position (GRCh38, 1-based): chr11:46,701,477, C>T. VCF-style: chr11-46701477-C-T. GRCh37 (hg19) VCF-style: chr11-46723027-C-T.
Other names: c.131C>T (NM_024741.2); c.107C>T, p.Pro36Leu (NM_001184751.2); short protein forms P36L, P44L.
Identifiers: ClinVar variation 1009838 (VCV001009838.11), dbSNP rs199531284, ClinGen allele CA5966244.
Genomic context (GRCh38, chr11:46,701,477, plus strand): 5'-GCCTGGACTTAGGATGGAACCCTTCCGGAGAAGGCTGTACGCAGGGCCTCAAAGACGTCC[C>T]ACCCGAGCCGACCCGAGACATCCTCGCTTTAAAGAGCCTTCCCCGGGGCTTGGCCCTTGG-3'
Protein context (NP_079017.1, residues 34-54): EGCTQGLKDV[Pro44Leu]PEPTRDILAL